The following is an entry in ClinVar:

ClinVar aggregate classification (germline): Uncertain significance (1 of 4 stars; one submission).

Allele frequency attached by ClinVar (database versions not stated): gnomAD exomes 0.00001 and 0.00004; ExAC 0.00006.

Submission:

GeneDx
Classification: Uncertain significance. Last evaluated: 2019-04-02. Review status: criteria provided, single submitter. Criteria: GeneDx Variant Classification Process June 2021. Collection method: clinical testing. Allele origin: germline. Affected: yes.
Comment: Not observed at a significant frequency in large population cohorts (Lek et al., 2016); In silico analysis, which includes protein predictors and evolutionary conservation, supports that this variant does not alter protein structure/function; Has not been previously published as pathogenic or benign to our knowledge

NM_032634.4(PIGO):c.1806G>T (p.Met602Ile)

Gene: PIGO (phosphatidylinositol glycan anchor biosynthesis class O; minus strand). Cytogenetic location: 9p13.3.
Variant type: single nucleotide variant.
Coding change: c.1806G>T on transcript NM_032634.4 (MANE Select); coding-DNA position 1806, G replaced by T.
Protein change: p.Met602Ile; replaces methionine 602 with isoleucine.
Molecular consequence: missense variant. On other transcripts: intron variant (2).
Genome position (GRCh38, 1-based): chr9:35,092,081, C>A on the plus strand (G>T on the coding strand, the complement: PIGO is on the minus strand). VCF-style: chr9-35092081-C-A. GRCh37 (hg19) VCF-style: chr9-35092078-C-A.
Other names: c.1344+462G>T (NM_152850.4, NM_001201484.2); short protein forms M602I.
Identifiers: ClinVar variation 1217978 (VCV001217978.3), dbSNP rs765834237, ClinGen allele CA5040563.
Genomic context (GRCh38, chr9:35,092,081, plus strand): 5'-CAGGGCATATGCACCATTGTGCCGTGGGGGGTTTGTTGTGGCTGAAGTGCCAAGGCGGGG[C>A]ATTGTGAGTAGCTTAGGTGGAAGCAGCTGGCCCTCCCAGTGAAGCTGGACAACCAGGAGC-3'
Protein context (NP_116023.2, residues 592-612): GQLLPPKLLT[Met602Ile]PRLGTSATTN